The following is an entry in ClinVar:

ClinVar aggregate classification (germline): Likely pathogenic. Review status: criteria provided, multiple submitters, no conflicts (2 of 4 stars). 2 submissions from 2 submitters: Likely pathogenic (2). Last evaluated 2026-05-11.

Conditions:
Autosomal recessive titinopathy. Identifiers: MedGen CN315649, MONDO:0100493.
Dilated cardiomyopathy 1G (CMD1G). Identifiers: Orphanet 154, MedGen C1858763, MONDO:0011400, OMIM 604145.
Autosomal recessive limb-girdle muscular dystrophy type 2J (LGMDR10). Also called: Limb-girdle muscular dystrophy, type 2J; MUSCULAR DYSTROPHY, LIMB-GIRDLE, AUTOSOMAL RECESSIVE 10. Identifiers: Orphanet 140922, MedGen C1837342, MONDO:0012127, OMIM 608807.

Submissions (2):

Women's Health and Genetics/Laboratory Corporation of America, LabCorp
Classification: Likely pathogenic for Autosomal recessive titinopathy. Last evaluated: 2026-05-11. Review status: criteria provided, single submitter. Criteria: LabCorp Variant Classification Summary - May 2015. Collection method: clinical testing. Allele origin: germline.
Comment: Variant summary: TTN c.40525delG (p.Glu13509AsnfsX11), also known as NM_001267550: c.48229delG (p.Glu16077AsnfsX11), results in a premature termination codon, predicted to cause a truncation of the encoded protein or absence of the protein due to nonsense mediated decay, which are commonly known mechanisms for disease. Loss of function variants in all TTN bands are strongly associated with a spectrum of autosomal recessive titinopathies when exon expression (proportion spliced in, PSI, 1=complete expression) in skeletal muscle is >0.1 (PMID: 36977548, 39198997, 29598826, 32778822, 29691892, 33449170, 36977548, internal data). In contrast, loss of function variants in all TTN bands are only strongly associated with autosomal dominant TTN-related cardiomyopathies if located in exons constitutively expressed (PSI >0.9) in cardiac muscle, excluding extreme C-terminal exons 359-363 (PMID: 25589632, 31216868, 32964742, 34662387, 27869827, Shetty et al., Nat Cardiovasc Res 2024,, internal data). This variant is located in exon 257 in NM_001267550. This exon has a maximum skeletal muscle PSI of 0.962 and a maximum cardiac muscle PSI of 1 (PMID: 39198997). The variant was absent in 247948 control chromosomes. To our knowledge, no occurrence of c.40525delG in individuals affected with TTN-related conditions and no experimental evidence demonstrating its impact on protein function have been reported. ClinVar contains an entry for this variant (Variation ID: 2102826). Based on the evidence outlined above, the variant was classified as likely pathogenic for both autosomal dominant and autosomal recessive TTN-related conditions.

Labcorp Genetics (formerly Invitae), Labcorp
Classification: Likely pathogenic for Dilated cardiomyopathy 1G; Autosomal recessive limb-girdle muscular dystrophy type 2J. Last evaluated: 2022-02-24. Review status: criteria provided, single submitter. Criteria: Invitae Variant Classification Sherloc (09022015). Collection method: clinical testing. Allele origin: germline.
Comment: In summary, the currently available evidence indicates that the variant is pathogenic, but additional data are needed to prove that conclusively. Therefore, this variant has been classified as Likely Pathogenic. This variant has not been reported in the literature in individuals affected with TTN-related conditions. This variant is not present in population databases (gnomAD no frequency). This sequence change creates a premature translational stop signal (p.Glu16077Asnfs*11) in the TTN gene. While this is not anticipated to result in nonsense mediated decay, it is expected to disrupt the last 19915 amino acid(s) of the TTN protein. This variant is located in the A band of TTN (PMID: 25589632). Truncating variants in this region are significantly overrepresented in patients affected with dilated cardiomyopathy (PMID: 25589632). Truncating variants in this region have also been reported in individuals affected with autosomal recessive centronuclear myopathy (PMID: 23975875).

Literature cited by the submitters: PubMed 25589632 (cited by Labcorp Genetics (formerly Invitae), Labcorp); PubMed 23975875 (cited by Labcorp Genetics (formerly Invitae), Labcorp).

NM_001267550.2(TTN):c.48229del (p.Glu16077fs)

Genes: TTN (titin; minus strand), TTN-AS1 (TTN antisense RNA 1; plus strand). Cytogenetic location: 2q31.2.
Variant type: Deletion.
Coding change: c.48229del on transcript NM_001267550.2 (MANE Select); coding-DNA position 48229, one base deleted (G; older notation c.48229delG).
Protein change: p.Glu16077fs; shifts the reading frame from glutamic acid 16077.
Molecular consequence: frameshift variant.
Genome position (GRCh38, 1-based): chr2:178,616,562, C deleted on the plus strand (G on the coding strand, the reverse complement: TTN is on the minus strand); the first of 3 consecutive C bases (chr2:178,616,562-178,616,564); deleting any one gives the same sequence. VCF-style (leftmost placement, unchanged base first): chr2-178616561-TC-T. GRCh37 (hg19) VCF-style: chr2-179481288-TC-T.
Other names: c.43306del, p.Glu14436fs (NM_001256850.1); c.21034del, p.Glu7012fs (NM_003319.4); c.40525del, p.Glu13509fs (NM_133378.4); c.21409del, p.Glu7137fs (NM_133432.3); c.21610del, p.Glu7204fs (NM_133437.4); c.40525delG (NM_133378.4); short protein forms E7204fs, E13509fs, E16077fs, E7012fs, E7137fs, E14436fs.
Identifiers: ClinVar variation 2102826 (VCV002102826.5), dbSNP rs2470806352, ClinGen allele CA2580065332.